The following is an entry in ClinVar:

ClinVar aggregate classification (germline): Likely benign. Review status: criteria provided, multiple submitters, no conflicts (2 of 4 stars). 3 submissions from 3 submitters: Likely benign (3). Last evaluated 2024-05-22.

Conditions:
Inborn genetic diseases. Identifiers: MedGen C0950123, MeSH D030342.

Allele frequency attached by ClinVar (database versions not stated): ExAC 0.00001.
gnomAD v4.1: 27 of 1,613,960 alleles (0.0017%); highest among the groups gnomAD compares: Non-Finnish European, 0.0021%; no homozygotes.

Submissions (3):

Labcorp Genetics (formerly Invitae), Labcorp
Classification: Likely benign. Last evaluated: 2024-05-22. Review status: criteria provided, single submitter. Criteria: Invitae Variant Classification Sherloc (09022015). Collection method: clinical testing. Allele origin: germline.

Ambry Genetics
Classification: Likely benign for Inborn genetic diseases. Last evaluated: 2023-10-17. Review status: criteria provided, single submitter. Criteria: Ambry Variant Classification Scheme 2023. Collection method: clinical testing. Allele origin: germline.

CeGaT Center for Human Genetics Tuebingen
Classification: Likely benign. Last evaluated: 2023-02-01. Review status: criteria provided, single submitter. Criteria: CeGaT Center For Human Genetics Tuebingen Variant Classification Criteria Version 2. Collection method: clinical testing. Allele origin: germline. Affected: yes. Observed: 1 variant allele.
Comment: KMT2E: BP4, BP7

NM_182931.3(KMT2E):c.4809C>T (p.His1603=)

Gene: KMT2E (lysine methyltransferase 2E (inactive); plus strand). Cytogenetic location: 7q22.3.
Variant type: single nucleotide variant.
Coding change: c.4809C>T on transcript NM_182931.3 (MANE Select); coding-DNA position 4809, C replaced by T.
Protein change: p.His1603=; no amino-acid change (histidine 1603 retained).
Molecular consequence: synonymous variant.
Genome position (GRCh38, 1-based): chr7:105,112,565, C>T. VCF-style: chr7-105112565-C-T. GRCh37 (hg19) VCF-style: chr7-104753012-C-T.
Other names: c.4809C>T (NM_182931.2); c.4683C>T, p.His1561= (NM_001410908.1); c.4809C>T, p.His1603= (NM_018682.4).
Identifiers: ClinVar variation 2657913 (VCV002657913.27), dbSNP rs752450742, ClinGen allele CA4424829.
Genomic context (GRCh38, chr7:105,112,565, plus strand): 5'-ATCAGGACCAAATCAAGCACTTCCTGGCACCACAAGCCAGCAAACAGTTCCAGGACACCA[C>T]GTGACTCCAGGGCATTTTTTGCCCTCTCAGAACCCTACCATTCACCATCAAACTGCTGCT-3'
Protein context (NP_891847.1, residues 1593-1613): TTSQQTVPGH[His1603=]VTPGHFLPSQ